The following is an entry in ClinVar:

NM_032444.4(SLX4):c.1805C>T (p.Pro602Leu)

Gene: SLX4 (SLX4 structure-specific endonuclease subunit; minus strand). Cytogenetic location: 16p13.3.
Variant type: single nucleotide variant.
Coding change: c.1805C>T on transcript NM_032444.4 (MANE Select); coding-DNA position 1805, C replaced by T.
Protein change: p.Pro602Leu; replaces proline 602 with leucine.
Molecular consequence: missense variant.
Genome position (GRCh38, 1-based): chr16:3,596,272, G>A on the plus strand (C>T on the coding strand, the complement: SLX4 is on the minus strand). VCF-style: chr16-3596272-G-A. GRCh37 (hg19) VCF-style: chr16-3646273-G-A.
Other names: c.1805C>T (LRG_503t1); short protein forms P602L.
Identifiers: ClinVar variation 575843 (VCV000575843.8), dbSNP rs956483964, ClinGen allele CA394527376.

ClinVar aggregate classification (germline): Uncertain significance (1 of 4 stars; one submission).

Conditions:
Fanconi anemia (FA). Also called: Fanconi's anemia. Identifiers: Orphanet 84, MedGen C0015625, MeSH D005199, MONDO:0019391.

Allele frequency attached by ClinVar (database versions not stated): gnomAD exomes 0.00001; TOPMed 0.00002.
gnomAD v4.1: 13 of 1,565,064 alleles (0.00083%); highest among the groups gnomAD compares: Non-Finnish European, 0.001%; no homozygotes.

Submission:

Labcorp Genetics (formerly Invitae), Labcorp
Classification: Uncertain significance for Fanconi anemia. Last evaluated: 2025-04-08. Review status: criteria provided, single submitter. Criteria: Invitae Variant Classification Sherloc (09022015). Collection method: clinical testing. Allele origin: germline.
Comment: This sequence change replaces proline, which is neutral and non-polar, with leucine, which is neutral and non-polar, at codon 602 of the SLX4 protein (p.Pro602Leu). The frequency data for this variant in the population databases is considered unreliable, as metrics indicate poor data quality at this position in the gnomAD database. This variant has not been reported in the literature in individuals affected with SLX4-related conditions. ClinVar contains an entry for this variant (Variation ID: 575843). An algorithm developed to predict the effect of missense changes on protein structure and function outputs the following: PolyPhen-2: "Benign". The leucine amino acid residue is found in multiple mammalian species, which suggests that this missense change does not adversely affect protein function. In summary, the available evidence is currently insufficient to determine the role of this variant in disease. Therefore, it has been classified as a Variant of Uncertain Significance.